The following is an entry in ClinVar:

NM_000135.4(FANCA):c.1783A>G (p.Lys595Glu)

Gene: FANCA (FA complementation group A; minus strand). Cytogenetic location: 16q24.3.
Variant type: single nucleotide variant.
Coding change: c.1783A>G on transcript NM_000135.4 (MANE Select); coding-DNA position 1783, A replaced by G.
Protein change: p.Lys595Glu; replaces lysine 595 with glutamic acid.
Molecular consequence: missense variant.
Genome position (GRCh38, 1-based): chr16:89,778,844, T>C on the plus strand (A>G on the coding strand, the complement: FANCA is on the minus strand). VCF-style: chr16-89778844-T-C. GRCh37 (hg19) VCF-style: chr16-89845252-T-C.
Other names: c.1783A>G, p.Lys595Glu (NM_001286167.3); short protein forms K595E.
Identifiers: ClinVar variation 4870878 (VCV004870878.1).

ClinVar aggregate classification (germline): Uncertain significance (1 of 4 stars; one submission).

Conditions:
Inborn genetic diseases. Identifiers: MedGen C0950123, MeSH D030342.

gnomAD v4.1: 2 of 1,613,960 alleles (0.00012%); highest among the groups gnomAD compares: Non-Finnish European, 0.00017%; no homozygotes.

Submission:

Ambry Genetics
Classification: Uncertain significance for Inborn genetic diseases. Last evaluated: 2026-05-18. Review status: criteria provided, single submitter. Criteria: Ambry Variant Classification Scheme 2023. Collection method: clinical testing. Allele origin: germline.
Comment: The p.K595E variant (also known as c.1783A>G), located in coding exon 20 of the FANCA gene, results from an A to G substitution at nucleotide position 1783. The lysine at codon 595 is replaced by glutamic acid, an amino acid with similar properties. This amino acid position is conserved. In addition, this alteration is predicted to be tolerated by in silico analysis. Based on the available evidence, the clinical significance of this variant remains unclear.